The following is an entry in ClinVar:

NM_020971.3(SPTBN4):c.5173C>T (p.Gln1725Ter)

Gene: SPTBN4 (spectrin beta, non-erythrocytic 4; plus strand). Cytogenetic location: 19q13.2.
Variant type: single nucleotide variant.
Coding change: c.5173C>T on transcript NM_020971.3 (MANE Select); coding-DNA position 5173, C replaced by T.
Protein change: p.Gln1725Ter; replaces glutamine 1725 with a stop codon.
Molecular consequence: nonsense.
Genome position (GRCh38, 1-based): chr19:40,556,172, C>T. VCF-style: chr19-40556172-C-T. GRCh37 (hg19) VCF-style: chr19-41062078-C-T.
Other names: c.1201C>T, p.Gln401Ter (NM_025213.3); short protein forms Q1725*, Q401*.
Identifiers: ClinVar variation 3254916 (VCV003254916.1), dbSNP rs554043340.

ClinVar aggregate classification (germline): Pathogenic (1 of 4 stars; one submission).

Conditions:
Neurodevelopmental disorder with hypotonia, neuropathy, and deafness (NEDHND). Also called: SPTBN4 Disorder; Myopathy, congenital, with neuropathy and deafness. Identifiers: MedGen C4479603, MONDO:0060496, OMIM 617519.

Submission:

Victorian Clinical Genetics Services, Murdoch Childrens Research Institute
Classification: Pathogenic for Neurodevelopmental disorder with hypotonia, neuropathy, and deafness. Last evaluated: 2023-07-17. Review status: criteria provided, single submitter. Criteria: ACMG Guidelines, 2015. Collection method: clinical testing. Allele origin: germline. Inheritance: Autosomal recessive inheritance. Affected: yes.
Comment: Based on the classification scheme VCGS_Germline_v1.3.4, this variant is classified as Pathogenic. Following criteria are met: 0102 - Loss of function is a known mechanism of disease in this gene and is associated with neurodevelopmental disorder with hypotonia, neuropathy, and deafness (MIM#617519). (I) 0106 - This gene is associated with autosomal recessive disease. (I) 0201 - Variant is predicted to cause nonsense-mediated decay (NMD) and loss of protein (premature termination codon is located at least 54 nucleotides upstream of the final exon-exon junction). (SP) 0251 - This variant is heterozygous. (I) 0301 - Variant is absent from gnomAD (both v2 and v3). (SP) 0701 - Other NMD predicted variants comparable to the one identified in this case have very strong previous evidence for pathogenicity (DECIPHER). (SP) 0807 - This variant has no previous evidence of pathogenicity. (I) 0905 - No published segregation evidence has been identified for this variant. (I) 1007 - No published functional evidence has been identified for this variant. (I) 1208 - Inheritance information for this variant is not currently available in this individual. (I) Legend: (SP) - Supporting pathogenic, (I) - Information, (SB) - Supporting benign